The following is an entry in ClinVar:

ClinVar aggregate classification (germline): Uncertain significance (1 of 4 stars; one submission).

Conditions:
Severe combined immunodeficiency due to DNA-PKcs deficiency. Also called: IMMUNODEFICIENCY 26 WITH NEUROLOGIC ABNORMALITIES; Immunodeficiency 26 with or without neurologic abnormalities. Identifiers: Orphanet 317425, MedGen C4014833, MONDO:0014423, OMIM 615966.

Allele frequency attached by ClinVar (database versions not stated): gnomAD exomes below 0.00001 and 0.00001; TOPMed below 0.00001; ExAC 0.00001; gnomAD 0.00001.
gnomAD v4.1: 11 of 1,602,400 alleles (0.00069%); highest among the groups gnomAD compares: Non-Finnish European, 0.00093%; no homozygotes.

Submission:

Labcorp Genetics (formerly Invitae), Labcorp
Classification: Uncertain significance for Severe combined immunodeficiency due to DNA-PKcs deficiency. Last evaluated: 2022-01-12. Review status: criteria provided, single submitter. Criteria: Invitae Variant Classification Sherloc (09022015). Collection method: clinical testing. Allele origin: germline.
Comment: This sequence change replaces alanine, which is neutral and non-polar, with valine, which is neutral and non-polar, at codon 3381 of the PRKDC protein (p.Ala3381Val). This variant is present in population databases (rs749202693, gnomAD 0.0009%). This variant has not been reported in the literature in individuals affected with PRKDC-related conditions. ClinVar contains an entry for this variant (Variation ID: 999778). Experimental studies and prediction algorithms are not available or were not evaluated, and the functional significance of this variant is currently unknown. In summary, the available evidence is currently insufficient to determine the role of this variant in disease. Therefore, it has been classified as a Variant of Uncertain Significance.

NM_006904.7(PRKDC):c.10142C>T (p.Ala3381Val)

Gene: PRKDC (protein kinase, DNA-activated, catalytic subunit; minus strand). Cytogenetic location: 8q11.21.
Variant type: single nucleotide variant.
Coding change: c.10142C>T on transcript NM_006904.7 (MANE Select); coding-DNA position 10142, C replaced by T.
Protein change: p.Ala3381Val; replaces alanine 3381 with valine.
Molecular consequence: missense variant.
Genome position (GRCh38, 1-based): chr8:47,799,365, G>A on the plus strand (C>T on the coding strand, the complement: PRKDC is on the minus strand). VCF-style: chr8-47799365-G-A. GRCh37 (hg19) VCF-style: chr8-48711926-G-A.
Other names: c.10142C>T, p.Ala3381Val (NM_001081640.2); short protein forms A3381V.
Identifiers: ClinVar variation 999778 (VCV000999778.4), dbSNP rs749202693, ClinGen allele CA4739383.